The following is an entry in ClinVar:

ClinVar aggregate classification (germline): Likely pathogenic (1 of 4 stars; one submission).

Conditions:
UNC80-related disorder. Also called: UNC80-related condition.

Allele frequency attached by ClinVar (database versions not stated): ExAC 0.00001; gnomAD exomes below 0.00001.
gnomAD v4.1: 1 of 1,614,076 alleles (0.000062%); highest among the groups gnomAD compares: South Asian, 0.0011%; no homozygotes.

Submission:

GeneDx
Classification: Likely pathogenic. Last evaluated: 2025-10-21. Review status: criteria provided, single submitter. Criteria: GeneDx Variant Classification Process June 2021. Collection method: clinical testing. Allele origin: germline. Affected: yes.
Comment: In silico analysis supports that this missense variant has a deleterious effect on protein structure/function; Not observed at significant frequency in large population cohorts (gnomAD); Has not been previously published as pathogenic or benign to our knowledge

NM_001371986.1(UNC80):c.653T>C (p.Met218Thr)

Gene: UNC80 (unc-80 subunit of NALCN channel complex; plus strand). Cytogenetic location: 2q34.
Variant type: single nucleotide variant.
Coding change: c.653T>C on transcript NM_001371986.1 (MANE Select); coding-DNA position 653, T replaced by C.
Protein change: p.Met218Thr; replaces methionine 218 with threonine.
Molecular consequence: missense variant.
Genome position (GRCh38, 1-based): chr2:209,786,118, T>C. VCF-style: chr2-209786118-T-C. GRCh37 (hg19) VCF-style: chr2-210650842-T-C.
Other names: c.653T>C, p.Met218Thr (NM_032504.2, NM_182587.4); short protein forms M218T.
Identifiers: ClinVar variation 432359 (VCV000432359.4), dbSNP rs761062440, ClinGen allele CA2082801.
Genomic context (GRCh38, chr2:209,786,118, plus strand): 5'-CCCCCTAGGAATCTGACCTCACCTTCCGTCTGGCCAGTGGGCTTGTTATATGGCAGCCCA[T>C]GTGGGAACACAGACAGCCCGGAGTCTCTGGCTTTACCGCACTGGTGAAGCCCATCAGGAA-3'
Protein context (NP_001358915.1, residues 208-228): LASGLVIWQP[Met218Thr]WEHRQPGVSG